The following is an entry in ClinVar:

ClinVar aggregate classification (germline): Uncertain significance. Review status: criteria provided, multiple submitters, no conflicts (2 of 4 stars). 3 submissions from 3 submitters: Uncertain significance (3). Last evaluated 2026-04-28.

Conditions:
Inborn genetic diseases. Identifiers: MedGen C0950123, MeSH D030342.
Progressive microcephaly-seizures-cortical blindness-developmental delay syndrome. Also called: Seizures, cortical blindness, and microcephaly syndrome. Identifiers: Orphanet 477814, MedGen C5567650, MONDO:0014714, OMIM 616632.
Autosomal dominant nonsyndromic hearing loss 1. Also called: KONIGSMARK SYNDROME; DEAFNESS, AUTOSOMAL DOMINANT 1, WITH OR WITHOUT THROMBOCYTOPENIA. Identifiers: Orphanet 90635, MedGen C1852282, MONDO:0007424, OMIM 124900.

Allele frequency attached by ClinVar (database versions not stated): ExAC 0.00001; gnomAD 0.00001; gnomAD exomes 0.00001; TOPMed 0.00001.
gnomAD v4.1: 11 of 1,614,034 alleles (0.00068%); highest among the groups gnomAD compares: East Asian, 0.0067%; no homozygotes.

Submissions (3):

Women's Health and Genetics/Laboratory Corporation of America, LabCorp
Classification: Uncertain significance. Last evaluated: 2026-04-28. Review status: criteria provided, single submitter. Criteria: LabCorp Variant Classification Summary - May 2015. Collection method: clinical testing. Allele origin: germline.
Comment: Variant summary: DIAPH1 c.3808C>T (p.Arg1270Cys) results in a non-conservative amino acid change in the encoded protein sequence. Algorithms developed to predict the effect of missense changes on protein structure and function all suggest that this variant is likely to be disruptive. The variant allele was found at a frequency of 8e-06 in 249484 control chromosomes. The available data on variant occurrences in the general population are insufficient to allow any conclusion about variant significance. To our knowledge, no occurrence of c.3808C>T in individuals affected with DIAPH1-related conditions and no experimental evidence demonstrating its impact on protein function have been reported. ClinVar contains an entry for this variant (Variation ID: 1478549). Based on the evidence outlined above, the variant was classified as uncertain significance.

Ambry Genetics
Classification: Uncertain significance for Inborn genetic diseases. Last evaluated: 2025-11-05. Review status: criteria provided, single submitter. Criteria: Ambry Variant Classification Scheme 2023. Collection method: clinical testing. Allele origin: germline.
Comment: The c.3808C>T (p.R1270C) alteration is located in exon 28 (coding exon 28) of the DIAPH1 gene. This alteration results from a C to T substitution at nucleotide position 3808, causing the arginine (R) at amino acid position 1270 to be replaced by a cysteine (C). Based on data from gnomAD, the T allele has an overall frequency of 0.001% (3/280884) total alleles studied. The highest observed frequency was 0.005% (1/19538) of East Asian alleles. Based on insufficient or conflicting evidence, the clinical significance of this alteration remains unclear.

Labcorp Genetics (formerly Invitae), Labcorp
Classification: Uncertain significance for Progressive microcephaly-seizures-cortical blindness-developmental delay syndrome; Autosomal dominant nonsyndromic hearing loss 1. Last evaluated: 2025-01-05. Review status: criteria provided, single submitter. Criteria: Invitae Variant Classification Sherloc (09022015). Collection method: clinical testing. Allele origin: germline.
Comment: This sequence change replaces arginine, which is basic and polar, with cysteine, which is neutral and slightly polar, at codon 1270 of the DIAPH1 protein (p.Arg1270Cys). This variant is present in population databases (rs758272814, gnomAD 0.005%). This variant has not been reported in the literature in individuals affected with DIAPH1-related conditions. ClinVar contains an entry for this variant (Variation ID: 1478549). An algorithm developed to predict the effect of missense changes on protein structure and function (PolyPhen-2) suggests that this variant is likely to be disruptive. In summary, the available evidence is currently insufficient to determine the role of this variant in disease. Therefore, it has been classified as a Variant of Uncertain Significance.

NM_005219.5(DIAPH1):c.3808C>T (p.Arg1270Cys)

Gene: DIAPH1 (diaphanous related formin 1; minus strand). Cytogenetic location: 5q31.3.
Variant type: single nucleotide variant.
Coding change: c.3808C>T on transcript NM_005219.5 (MANE Select); coding-DNA position 3808, C replaced by T.
Protein change: p.Arg1270Cys; replaces arginine 1270 with cysteine.
Molecular consequence: missense variant. On other transcripts: 3 prime UTR variant (1).
Genome position (GRCh38, 1-based): chr5:141,516,862, G>A on the plus strand (C>T on the coding strand, the complement: DIAPH1 is on the minus strand). VCF-style: chr5-141516862-G-A. GRCh37 (hg19) VCF-style: chr5-140896429-G-A.
Other names: c.3781C>T, p.Arg1261Cys (NM_001079812.3); c.*108C>T (NM_001314007.2); c.3808C>T (NM_005219.4); short protein forms R1261C, R1270C.
Identifiers: ClinVar variation 1478549 (VCV001478549.8), dbSNP rs758272814, ClinGen allele CA3478660.